The following is an entry in ClinVar:

NM_030930.4(UNC93B1):c.1733T>G (p.Leu578Arg)

Gene: UNC93B1 (unc-93B1 regulator of TLR signaling; minus strand). Cytogenetic location: 11q13.2.
Variant type: single nucleotide variant.
Coding change: c.1733T>G on transcript NM_030930.4 (MANE Select); coding-DNA position 1733, T replaced by G.
Protein change: p.Leu578Arg; replaces leucine 578 with arginine.
Molecular consequence: missense variant.
Genome position (GRCh38, 1-based): chr11:67,991,607, A>C on the plus strand (T>G on the coding strand, the complement: UNC93B1 is on the minus strand). VCF-style: chr11-67991607-A-C. GRCh37 (hg19) VCF-style: chr11-67759078-A-C.
Other names: short protein forms L578R.
Identifiers: ClinVar variation 1021202 (VCV001021202.7), dbSNP rs1402199169, ClinGen allele CA381566854.
Genomic context (GRCh38, chr11:67,991,607, plus strand): 5'-CACTGCTCCTCCGGCCCGTCTCCCCCCTGCGCCTGTTCGTACGGGCAGGGCCGGCGGCCG[A>C]GTCCAGCGGGCTCGGGGCCAGGCCTGGGCCCTGCGGGCGGCGCCTCCTCCTCCGCGCCGT-3'
Protein context (NP_112192.2, residues 568-588): GPRPGPEPAG[Leu578Arg]GRRPCPYEQA

ClinVar aggregate classification (germline): Uncertain significance (1 of 4 stars; one submission).

Conditions:
Encephalopathy, acute, infection-induced (herpes-specific), susceptibility to, 1. Also called: Herpes simplex encephalitis, susceptibility to, 1. Identifiers: Orphanet 1930, MedGen C2750180, MONDO:0024563, OMIM 610551.

Allele frequency attached by ClinVar (database versions not stated): gnomAD exomes below 0.00001.
gnomAD v4.1: 1 of 1,494,298 alleles (0.000067%); highest among the groups gnomAD compares: Non-Finnish European, 0.000088%; no homozygotes.

Submission:

Labcorp Genetics (formerly Invitae), Labcorp
Classification: Uncertain significance for Encephalopathy, acute, infection-induced (herpes-specific), susceptibility to, 1. Last evaluated: 2023-07-07. Review status: criteria provided, single submitter. Criteria: Invitae Variant Classification Sherloc (09022015). Collection method: clinical testing. Allele origin: germline.
Comment: ClinVar contains an entry for this variant (Variation ID: 1021202). Experimental studies and prediction algorithms are not available or were not evaluated, and the functional significance of this variant is currently unknown. This variant has not been reported in the literature in individuals affected with UNC93B1-related conditions. In summary, the available evidence is currently insufficient to determine the role of this variant in disease. Therefore, it has been classified as a Variant of Uncertain Significance. This variant is not present in population databases (gnomAD no frequency). This sequence change replaces leucine, which is neutral and non-polar, with arginine, which is basic and polar, at codon 578 of the UNC93B1 protein (p.Leu578Arg).